The following is an entry in ClinVar:

ClinVar aggregate classification (germline): Uncertain significance. Review status: criteria provided, multiple submitters, no conflicts (2 of 4 stars). 2 submissions from 2 submitters: Uncertain significance (2). Last evaluated 2025-04-16.

Conditions:
Inborn genetic diseases. Identifiers: MedGen C0950123, MeSH D030342.

Allele frequency attached by ClinVar (database versions not stated): ExAC 0.00002; gnomAD exomes 0.00002; TOPMed 0.00003.
gnomAD v4.1: 49 of 1,606,918 alleles (0.003%); highest among the groups gnomAD compares: Non-Finnish European, 0.0036%; no homozygotes.

Submissions (2):

Ambry Genetics
Classification: Uncertain significance for Inborn genetic diseases. Last evaluated: 2025-04-16. Review status: criteria provided, single submitter. Criteria: Ambry Variant Classification Scheme 2023. Collection method: clinical testing. Allele origin: germline.

Labcorp Genetics (formerly Invitae), Labcorp
Classification: Uncertain significance. Last evaluated: 2021-08-31. Review status: criteria provided, single submitter. Criteria: Invitae Variant Classification Sherloc (09022015). Collection method: clinical testing. Allele origin: germline.
Comment: In summary, the available evidence is currently insufficient to determine the role of this variant in disease. Therefore, it has been classified as a Variant of Uncertain Significance. Algorithms developed to predict the effect of missense changes on protein structure and function are either unavailable or do not agree on the potential impact of this missense change (SIFT: "Deleterious"; PolyPhen-2: "Probably Damaging"; Align-GVGD: "Class C0"). This variant has not been reported in the literature in individuals affected with GPC6-related conditions. This variant is present in population databases (rs763966830, ExAC 0.02%). This sequence change replaces arginine with tryptophan at codon 126 of the GPC6 protein (p.Arg126Trp). The arginine residue is moderately conserved and there is a moderate physicochemical difference between arginine and tryptophan.

NM_005708.5(GPC6):c.376C>T (p.Arg126Trp)

Genes: GPC6 (glypican 6; plus strand), GPC6-AS2 (GPC6 antisense RNA 2; minus strand). Cytogenetic location: 13q31.3.
Variant type: single nucleotide variant.
Coding change: c.376C>T on transcript NM_005708.5 (MANE Select); coding-DNA position 376, C replaced by T.
Protein change: p.Arg126Trp; replaces arginine 126 with tryptophan.
Molecular consequence: missense variant.
Genome position (GRCh38, 1-based): chr13:93,830,210, C>T. VCF-style: chr13-93830210-C-T. GRCh37 (hg19) VCF-style: chr13-94482463-C-T.
Other names: c.376C>T (NM_005708.3); short protein forms R126W.
Identifiers: ClinVar variation 1367315 (VCV001367315.7), dbSNP rs763966830, ClinGen allele CA7016853.